The following is an entry in ClinVar:

NM_001099289.3(SH3RF3):c.1661C>T (p.Pro554Leu)

Genes: RANBP2 (RAN binding protein 2; plus strand), SH3RF3 (SH3 domain containing ring finger 3; plus strand). Cytogenetic location: 2q13.
Variant type: single nucleotide variant.
Coding change: c.1661C>T on transcript NM_001099289.3 (MANE Select); coding-DNA position 1661, C replaced by T.
Protein change: p.Pro554Leu; replaces proline 554 with leucine.
Molecular consequence: missense variant.
Genome position (GRCh38, 1-based): chr2:109,436,979, C>T. VCF-style: chr2-109436979-C-T. GRCh37 (hg19) VCF-style: chr2-110053435-C-T.
Other names: short protein forms P554L.
Identifiers: ClinVar variation 3318140 (VCV003318140.1).

ClinVar aggregate classification (germline): Uncertain significance (1 of 4 stars; one submission).

gnomAD v4.1: 4 of 1,613,870 alleles (0.00025%); highest among the groups gnomAD compares: Admixed American, 0.0033%; no homozygotes.

Submission:

Ambry Genetics
Classification: Uncertain significance. Last evaluated: 2024-04-20. Review status: criteria provided, single submitter. Criteria: Ambry Variant Classification Scheme 2023. Collection method: clinical testing. Allele origin: germline.
Comment: The c.1661C>T (p.P554L) alteration is located in exon (coding exon ) of the SH3RF3 gene. This alteration results from a C to T substitution at nucleotide position 1661, causing the proline (P) at amino acid position 554 to be replaced by a leucine (L). Based on insufficient or conflicting evidence, the clinical significance of this alteration remains unclear.